The following is an entry in ClinVar:

NM_006440.5(TXNRD2):c.1546G>C (p.Asp516His)

Gene: TXNRD2 (thioredoxin reductase 2; minus strand). Cytogenetic location: 22q11.21.
Variant type: single nucleotide variant.
Coding change: c.1546G>C on transcript NM_006440.5 (MANE Select); coding-DNA position 1546, G replaced by C.
Protein change: p.Asp516His; replaces aspartic acid 516 with histidine.
Molecular consequence: missense variant. On other transcripts: non-coding transcript variant (1).
Genome position (GRCh38, 1-based): chr22:19,877,134, C>G on the plus strand (G>C on the coding strand, the complement: TXNRD2 is on the minus strand). VCF-style: chr22-19877134-C-G. GRCh37 (hg19) VCF-style: chr22-19864657-C-G.
Other names: c.1543G>C, p.Asp515His (NM_001352300.2); c.1456G>C, p.Asp486His (NM_001352301.2); c.1258G>C, p.Asp420His (NM_001352302.2); short protein forms D486H, D515H, D420H, D516H.
Identifiers: ClinVar variation 1376404 (VCV001376404.6), dbSNP rs1221993025, ClinGen allele CA410691444.

ClinVar aggregate classification (germline): Uncertain significance (1 of 4 stars; one submission).

Conditions:
Primary dilated cardiomyopathy (DCM). Also called: Dilated Cardiomyopathy. Identifiers: Orphanet 217604, MedGen C0007193, MeSH D002311, MONDO:0005021, HP:0001644. Inheritance: Various modes of inheritance.

Submission:

Labcorp Genetics (formerly Invitae), Labcorp
Classification: Uncertain significance for Primary dilated cardiomyopathy. Last evaluated: 2021-03-08. Review status: criteria provided, single submitter. Criteria: Invitae Variant Classification Sherloc (09022015). Collection method: clinical testing. Allele origin: germline.
Comment: In summary, the available evidence is currently insufficient to determine the role of this variant in disease. Therefore, it has been classified as a Variant of Uncertain Significance. Algorithms developed to predict the effect of missense changes on protein structure and function are either unavailable or do not agree on the potential impact of this missense change (SIFT: "Deleterious"; PolyPhen-2: "Possibly Damaging"; Align-GVGD: "Class C0"). This variant has not been reported in the literature in individuals with TXNRD2-related conditions. This variant is not present in population databases (ExAC no frequency). This sequence change replaces aspartic acid with histidine at codon p.Asp516 of the TXNRD2 protein (p.Asp516His). The aspartic acid residue is moderately conserved and there is a moderate physicochemical difference between aspartic acid and histidine.